The following is an entry in ClinVar:

ClinVar aggregate classification (germline): Uncertain significance. Review status: criteria provided, multiple submitters, no conflicts (2 of 4 stars). 2 submissions from 2 submitters: Uncertain significance (2). Last evaluated 2025-01-27.

Conditions:
Familial hemiplegic migraine. Identifiers: MedGen C0338484, MONDO:0000700.

Submissions (2):

GeneDx
Classification: Uncertain significance. Last evaluated: 2025-01-27. Review status: criteria provided, single submitter. Criteria: GeneDx Variant Classification Process June 2021. Collection method: clinical testing. Allele origin: germline. Affected: yes.
Comment: Not observed at significant frequency in large population cohorts (gnomAD); In silico analysis supports that this missense variant has a deleterious effect on protein structure/function; Has not been previously published as pathogenic or benign to our knowledge

Labcorp Genetics (formerly Invitae), Labcorp
Classification: Uncertain significance for Familial hemiplegic migraine. Last evaluated: 2020-10-16. Review status: criteria provided, single submitter. Criteria: Invitae Variant Classification Sherloc (09022015). Collection method: clinical testing. Allele origin: germline.
Comment: In summary, the available evidence is currently insufficient to determine the role of this variant in disease. Therefore, it has been classified as a Variant of Uncertain Significance. Advanced modeling of protein sequence and biophysical properties (such as structural, functional, and spatial information, amino acid conservation, physicochemical variation, residue mobility, and thermodynamic stability) performed at Invitae indicates that this missense variant is expected to disrupt ATP1A2 protein function. This variant has not been reported in the literature in individuals with ATP1A2-related conditions. This variant is not present in population databases (ExAC no frequency). This sequence change replaces valine with phenylalanine at codon 248 of the ATP1A2 protein (p.Val248Phe). The valine residue is highly conserved and there is a small physicochemical difference between valine and phenylalanine.

NM_000702.4(ATP1A2):c.742G>T (p.Val248Phe)

Genes: ATP1A2 (ATPase Na+/K+ transporting subunit alpha 2; plus strand), LOC126805890 (CDK7 strongly-dependent group 2 enhancer GRCh37_chr1:160093987-160095186; plus strand). Cytogenetic location: 1q23.2.
Variant type: single nucleotide variant.
Coding change: c.742G>T on transcript NM_000702.4 (MANE Select); coding-DNA position 742, G replaced by T.
Protein change: p.Val248Phe; replaces valine 248 with phenylalanine.
Molecular consequence: missense variant.
Genome position (GRCh38, 1-based): chr1:160,125,247, G>T. VCF-style: chr1-160125247-G-T. GRCh37 (hg19) VCF-style: chr1-160095037-G-T.
Other names: c.742G>T (NM_000702.3); short protein forms V248F.
Identifiers: ClinVar variation 1017736 (VCV001017736.10), dbSNP rs1651549443, ClinGen allele CA343235650.